The following is an entry in ClinVar:

NM_001113491.2(SEPTIN9):c.354G>T (p.Gln118His)

Gene: SEPTIN9 (septin 9; plus strand). Cytogenetic location: 17q25.3.
Variant type: single nucleotide variant.
Coding change: c.354G>T on transcript NM_001113491.2 (MANE Select); coding-DNA position 354, G replaced by T.
Protein change: p.Gln118His; replaces glutamine 118 with histidine.
Molecular consequence: missense variant. On other transcripts: 5 prime UTR variant (2).
Genome position (GRCh38, 1-based): chr17:77,402,336, G>T. VCF-style: chr17-77402336-G-T. GRCh37 (hg19) VCF-style: chr17-75398418-G-T.
Other names: c.-139G>T (NM_001113492.2, NM_001113494.1); c.333G>T, p.Gln111His (NM_001113493.2); c.297G>T, p.Gln99His (NM_001293695.2); c.300G>T, p.Gln100His (NM_006640.5); short protein forms Q111H, Q118H, Q100H, Q99H.
Identifiers: ClinVar variation 2827594 (VCV002827594.3), dbSNP rs200703014, ClinGen allele CA401205999.

ClinVar aggregate classification (germline): Uncertain significance (1 of 4 stars; one submission).

Submission:

Labcorp Genetics (formerly Invitae), Labcorp
Classification: Uncertain significance. Last evaluated: 2023-01-10. Review status: criteria provided, single submitter. Criteria: Invitae Variant Classification Sherloc (09022015). Collection method: clinical testing. Allele origin: germline.
Comment: In summary, the available evidence is currently insufficient to determine the role of this variant in disease. Therefore, it has been classified as a Variant of Uncertain Significance. Advanced modeling of protein sequence and biophysical properties (such as structural, functional, and spatial information, amino acid conservation, physicochemical variation, residue mobility, and thermodynamic stability) performed at Invitae indicates that this missense variant is not expected to disrupt SEPT9 protein function. This variant has not been reported in the literature in individuals affected with SEPT9-related conditions. This variant is not present in population databases (gnomAD no frequency). This sequence change replaces glutamine, which is neutral and polar, with histidine, which is basic and polar, at codon 100 of the SEPT9 protein (p.Gln100His).